The following is an entry in ClinVar:

ClinVar aggregate classification (germline): Pathogenic (1 of 4 stars; one submission).

Submission:

Labcorp Genetics (formerly Invitae), Labcorp
Classification: Pathogenic. Last evaluated: 2022-08-29. Review status: criteria provided, single submitter. Criteria: Invitae Variant Classification Sherloc (09022015). Collection method: clinical testing. Allele origin: germline.
Comment: This variant has not been reported in the literature in individuals affected with IMPG2-related conditions. For these reasons, this variant has been classified as Pathogenic. This variant is not present in population databases (gnomAD no frequency). This sequence change creates a premature translational stop signal (p.Cys1050Valfs*13) in the IMPG2 gene. It is expected to result in an absent or disrupted protein product. Loss-of-function variants in IMPG2 are known to be pathogenic (PMID: 20673862).

Literature cited by the submitters: PubMed 20673862.

NM_016247.4(IMPG2):c.3147del (p.Cys1050fs)

Gene: IMPG2 (interphotoreceptor matrix proteoglycan 2; minus strand). Cytogenetic location: 3q12.3.
Variant type: Deletion.
Coding change: c.3147del on transcript NM_016247.4 (MANE Select); coding-DNA position 3147, one base deleted (C; older notation c.3147delC).
Protein change: p.Cys1050fs; shifts the reading frame from cysteine 1050.
Molecular consequence: frameshift variant.
Genome position (GRCh38, 1-based): chr3:101,232,867, G deleted on the plus strand (C on the coding strand, the reverse complement: IMPG2 is on the minus strand); the first of 3 consecutive G bases (chr3:101,232,867-101,232,869); deleting any one gives the same sequence. VCF-style (leftmost placement, unchanged base first): chr3-101232866-AG-A. GRCh37 (hg19) VCF-style: chr3-100951710-AG-A.
Other names: short protein forms C1050fs.
Identifiers: ClinVar variation 2027768 (VCV002027768.4), dbSNP rs2508925248, ClinGen allele CA2580068560.